The following is an entry in ClinVar:

ClinVar aggregate classification (germline): Uncertain significance (1 of 4 stars; one submission).

Conditions:
Van der Woude syndrome 1. Also called: CLEFT LIP AND/OR PALATE WITH MUCOUS CYSTS OF LOWER LIP; van der Woude Syndrome (VWS). Identifiers: MedGen C4551864, MONDO:0007333, OMIM 119300.

Submission:

MVZ Medizinische Genetik Mainz
Classification: Uncertain significance for Van der Woude syndrome 1. Last evaluated: 2026-06-01. Review status: criteria provided, single submitter. Criteria: UK Practice Guidelines For Variant Classification V4 01 2020. Collection method: clinical testing. Allele origin: germline. Inheritance: Autosomal dominant inheritance. Affected: yes. Observed: 1 variant allele.
Comment: ACMG Criteria: PM2_SUP,PP3

NM_006147.4(IRF6):c.174+3A>T

Gene: IRF6 (interferon regulatory factor 6; minus strand). Cytogenetic location: 1q32.2.
Variant type: single nucleotide variant.
Coding change: c.174+3A>T on transcript NM_006147.4 (MANE Select); 3 bases into the intron after coding-DNA position 174, A replaced by T.
Molecular consequence: intron variant.
Genome position (GRCh38, 1-based): chr1:209,801,237, T>A on the plus strand (A>T on the coding strand, the complement: IRF6 is on the minus strand). VCF-style: chr1-209801237-T-A. GRCh37 (hg19) VCF-style: chr1-209974582-T-A.
Other names: c.-111-4685A>T (NM_001206696.2).
Identifiers: ClinVar variation 4857247 (VCV004857247.1).